The following is an entry in ClinVar:

ClinVar aggregate classification (germline): Uncertain significance. Review status: criteria provided, multiple submitters, no conflicts (2 of 4 stars). 3 submissions from 3 submitters: Uncertain significance (3). Last evaluated 2024-01-11.

Conditions:
Ataxia-telangiectasia-like disorder 1 (ATLD1). Identifiers: Orphanet 251347, MedGen C4012790, MONDO:0024557, OMIM 604391.
Ataxia-telangiectasia-like disorder (ATLD). Identifiers: MedGen C1858391, MONDO:0011457.
Hereditary cancer-predisposing syndrome. Also called: Neoplastic Syndromes, Hereditary; Tumor predisposition; Hereditary Cancer Syndrome; Hereditary neoplastic syndrome. Identifiers: Orphanet 140162, MedGen C0027672, MeSH D009386, MONDO:0015356.

Allele frequency attached by ClinVar (database versions not stated): gnomAD exomes below 0.00001 and 0.00001; TOPMed 0.00001; gnomAD 0.00002 and 0.00003; ESP Exome Variant Server 0.00008.
gnomAD v4.1: 5 of 1,585,476 alleles (0.00032%); highest among the groups gnomAD compares: African/African-American, 0.0054%; no homozygotes.

Submissions (3):

Ambry Genetics
Classification: Uncertain significance for Hereditary cancer-predisposing syndrome. Last evaluated: 2024-01-11. Review status: criteria provided, single submitter. Criteria: Ambry Variant Classification Scheme 2023. Collection method: clinical testing. Allele origin: germline.
Comment: The p.F25L variant (also known as c.73T>C), located in coding exon 2 of the MRE11A gene, results from a T to C substitution at nucleotide position 73. The phenylalanine at codon 25 is replaced by leucine, an amino acid with highly similar properties. This amino acid position is not well conserved in available vertebrate species. In addition, the in silico prediction for this alteration is inconclusive. Since supporting evidence is limited at this time, the clinical significance of this alteration remains unclear.

Baylor Genetics
Classification: Uncertain significance for Ataxia-telangiectasia-like disorder 1. Last evaluated: 2021-10-21. Review status: criteria provided, single submitter. Criteria: ACMG Guidelines, 2015. Collection method: clinical testing. Allele origin: unknown.

Labcorp Genetics (formerly Invitae), Labcorp
Classification: Uncertain significance for Ataxia-telangiectasia-like disorder. Last evaluated: 2021-05-26. Review status: criteria provided, single submitter. Criteria: Invitae Variant Classification Sherloc (09022015). Collection method: clinical testing. Allele origin: germline.
Comment: In summary, the available evidence is currently insufficient to determine the role of this variant in disease. Therefore, it has been classified as a Variant of Uncertain Significance. Algorithms developed to predict the effect of missense changes on protein structure and function are either unavailable or do not agree on the potential impact of this missense change (SIFT: "Deleterious"; PolyPhen-2: "Possibly Damaging"; Align-GVGD: "Class C0"). This variant has not been reported in the literature in individuals with MRE11-related conditions. ClinVar contains an entry for this variant (Variation ID: 483649). This variant is not present in population databases (ExAC no frequency). This sequence change replaces phenylalanine with leucine at codon 25 of the MRE11 protein (p.Phe25Leu). The phenylalanine residue is weakly conserved and there is a small physicochemical difference between phenylalanine and leucine.

NM_005591.4(MRE11):c.73T>C (p.Phe25Leu)

Gene: MRE11 (MRE11 double strand break repair nuclease; minus strand). Cytogenetic location: 11q21.
Variant type: single nucleotide variant.
Coding change: c.73T>C on transcript NM_005591.4 (MANE Select); coding-DNA position 73, T replaced by C.
Protein change: p.Phe25Leu; replaces phenylalanine 25 with leucine.
Molecular consequence: missense variant.
Genome position (GRCh38, 1-based): chr11:94,490,913, A>G on the plus strand (T>C on the coding strand, the complement: MRE11 is on the minus strand). VCF-style: chr11-94490913-A-G. GRCh37 (hg19) VCF-style: chr11-94224079-A-G.
Other names: c.73T>C, p.Phe25Leu (NM_001330347.2, NM_005590.4); short protein forms F25L.
Identifiers: ClinVar variation 483649 (VCV000483649.14), dbSNP rs145218439, ClinGen allele CA226544661.
Genomic context (GRCh38, chr11:94,490,913, plus strand): 5'-TTAAAATTTCATCGAGTGTTACAAACGTATCATTTCCTCTGACTGCATCTTTCTCCATAA[A>G]TCCAAGATGAATATCTGTTGCAACTAATATTTTAAATGTGTTTTCATCATCACTATATTA-3'
Protein context (NP_005582.1, residues 15-35): ILVATDIHLG[Phe25Leu]MEKDAVRGND